The following is an entry in ClinVar:

ClinVar aggregate classification (germline): Uncertain significance. Review status: criteria provided, multiple submitters, no conflicts (2 of 4 stars). 3 submissions from 3 submitters: Uncertain significance (2). 1 of the submissions does not count toward it. Last evaluated 2026-07-01.

Conditions:
Intellectual developmental disorder 61. Also called: INTELLECTUAL DEVELOPMENTAL DISORDER, AUTOSOMAL DOMINANT 61; MENTAL RETARDATION, AUTOSOMAL DOMINANT 61. Identifiers: MedGen C5231400, MONDO:0032485, OMIM 618009.
MED13-related disorder. Also called: MED13-related condition.

gnomAD v4.1: 1 of 1,613,882 alleles (0.000062%); highest among the groups gnomAD compares: Admixed American, 0.0017%; no homozygotes.

Submissions (3):

CeGaT Center for Human Genetics Tuebingen
Classification: Uncertain significance. Last evaluated: 2026-07-01. Review status: criteria provided, single submitter. Criteria: CeGaT Center For Human Genetics Tuebingen Variant Classification Criteria Version 2. Collection method: clinical testing. Allele origin: germline. Affected: yes. Observed: 1 variant allele.

Laboratorio de Genetica e Diagnostico Molecular, Hospital Israelita Albert Einstein
Classification: Uncertain significance for Intellectual developmental disorder 61. Last evaluated: 2025-08-25. Review status: criteria provided, single submitter. Criteria: ACMG Guidelines, 2015. Collection method: clinical testing. Allele origin: germline. Affected: yes.
Comment: ACMG classification criteria: PM2 supporting, PP2 supporting

PreventionGenetics, part of Exact Sciences
Classification: Uncertain significance for MED13-related condition. Last evaluated: 2024-09-16. Review status: no assertion criteria provided. Collection method: clinical testing. Allele origin: germline. Not counted in ClinVar's aggregate classification.
Comment: The MED13 c.4256G>C variant is predicted to result in the amino acid substitution p.Gly1419Ala. To our knowledge, this variant has not been reported in the literature. This variant is reported in 0.0029% of alleles in individuals of Latino descent in gnomAD. At this time, the clinical significance of this variant is uncertain due to the absence of conclusive functional and genetic evidence.

NM_005121.3(MED13):c.4256G>C (p.Gly1419Ala)

Gene: MED13 (mediator complex subunit 13; minus strand). Cytogenetic location: 17q23.2.
Variant type: single nucleotide variant.
Coding change: c.4256G>C on transcript NM_005121.3 (MANE Select); coding-DNA position 4256, G replaced by C.
Protein change: p.Gly1419Ala; replaces glycine 1419 with alanine.
Molecular consequence: missense variant.
Genome position (GRCh38, 1-based): chr17:61,966,587, C>G on the plus strand (G>C on the coding strand, the complement: MED13 is on the minus strand). VCF-style: chr17-61966587-C-G. GRCh37 (hg19) VCF-style: chr17-60043948-C-G.
Other names: short protein forms G1419A.
Identifiers: ClinVar variation 3358681 (VCV003358681.3).
Genomic context (GRCh38, chr17:61,966,587, plus strand): 5'-GCTGCCTGAGAAAACCATTCTGCTACCAACTTTTCTGATAGTTTCTTTGATGCAGTAGAT[C>G]CAACTCTCATGATCCCATCTGTTAACAGTCGAGAAACAGGTCTATGTTGACCTAATCGAC-3'
Protein context (NP_005112.2, residues 1409-1429): RLLTDGIMRV[Gly1419Ala]STASKKLSEK